The following is an entry in ClinVar:

NM_000289.6(PFKM):c.374C>A (p.Ala125Asp)

Gene: PFKM (phosphofructokinase, muscle; plus strand). Cytogenetic location: 12q13.11.
Variant type: single nucleotide variant.
Coding change: c.374C>A on transcript NM_000289.6 (MANE Select); coding-DNA position 374, C replaced by A.
Protein change: p.Ala125Asp; replaces alanine 125 with aspartic acid.
Molecular consequence: missense variant. On other transcripts: non-coding transcript variant (6).
Genome position (GRCh38, 1-based): chr12:48,133,004, C>A. VCF-style: chr12-48133004-C-A. GRCh37 (hg19) VCF-style: chr12-48526787-C-A.
Other names: c.587C>A, p.Ala196Asp (NM_001166686.2, NM_001354737.1, NM_001354738.1 and 1 more transcripts); c.374C>A, p.Ala125Asp (NM_001166687.2, NM_001166688.2, NM_001354742.2 and 4 more transcripts); c.683C>A, p.Ala228Asp (NM_001354735.1, NM_001354736.1); c.518C>A, p.Ala173Asp (NM_001354740.1); c.398C>A, p.Ala133Asp (NM_001354741.2); c.287C>A, p.Ala96Asp (NM_001354745.2); c.224C>A, p.Ala75Asp (NM_001354747.2, NM_001354748.2); short protein forms A125D, A133D, A173D, A196D, A228D, A75D, A96D.
Identifiers: ClinVar variation 1718778 (VCV001718778.5), dbSNP rs2540900982, ClinGen allele CA384542314.

ClinVar aggregate classification (germline): Uncertain significance (1 of 4 stars; one submission).

Conditions:
Glycogen storage disease, type VII (GSD7). Also called: GSD VII; MUSCLE PHOSPHOFRUCTOKINASE DEFICIENCY; PFKM DEFICIENCY; TARUI DISEASE. Identifiers: Orphanet 371, MedGen C0017926, MONDO:0009295, OMIM 232800.

Submission:

Labcorp Genetics (formerly Invitae), Labcorp
Classification: Uncertain significance for Glycogen storage disease, type VII. Last evaluated: 2022-07-19. Review status: criteria provided, single submitter. Criteria: Invitae Variant Classification Sherloc (09022015). Collection method: clinical testing. Allele origin: germline.
Comment: In summary, the available evidence is currently insufficient to determine the role of this variant in disease. Therefore, it has been classified as a Variant of Uncertain Significance. Algorithms developed to predict the effect of missense changes on protein structure and function are either unavailable or do not agree on the potential impact of this missense change (SIFT: "Deleterious"; PolyPhen-2: "Probably Damaging"; Align-GVGD: "Class C0"). This variant has not been reported in the literature in individuals affected with PFKM-related conditions. This variant is not present in population databases (gnomAD no frequency). This sequence change replaces alanine, which is neutral and non-polar, with aspartic acid, which is acidic and polar, at codon 125 of the PFKM protein (p.Ala125Asp).